The following is an entry in ClinVar:

NM_000492.4(CFTR):c.814G>C (p.Val272Leu)

Gene: CFTR (CF transmembrane conductance regulator; plus strand). Cytogenetic location: 7q31.2.
Variant type: single nucleotide variant.
Coding change: c.814G>C on transcript NM_000492.4 (MANE Select); coding-DNA position 814, G replaced by C.
Protein change: p.Val272Leu; replaces valine 272 with leucine.
Molecular consequence: missense variant.
Genome position (GRCh38, 1-based): chr7:117,536,618, G>C. VCF-style: chr7-117536618-G-C. GRCh37 (hg19) VCF-style: chr7-117176672-G-C.
Other names: short protein forms V272L.
Identifiers: ClinVar variation 4227422 (VCV004227422.1).

ClinVar aggregate classification (germline): Uncertain significance (1 of 4 stars; one submission).

Conditions:
Cystic fibrosis (CF). Also called: MUCOVISCIDOSIS. Identifiers: Orphanet 586, MedGen C0010674, MONDO:0009061, OMIM 219700. Disease mechanism: loss of function.

gnomAD v4.1: 1 of 1,610,980 alleles (0.000062%); highest among the groups gnomAD compares: Non-Finnish European, 0.000085%; no homozygotes.

Submission:

Ambry Genetics
Classification: Uncertain significance for Cystic fibrosis. Last evaluated: 2025-08-04. Review status: criteria provided, single submitter. Criteria: Ambry Variant Classification Scheme 2023. Collection method: clinical testing. Allele origin: germline.
Comment: The p.V272L variant (also known as c.814G>C), located in coding exon 7 of the CFTR gene, results from a G to C substitution at nucleotide position 814. The valine at codon 272 is replaced by leucine, an amino acid with highly similar properties. This amino acid position is conserved. In addition, this alteration is predicted to be deleterious by in silico analysis. Based on the available evidence, the clinical significance of this variant remains unclear.